The following is an entry in ClinVar:

NM_017780.4(CHD7):c.892A>G (p.Thr298Ala)

Gene: CHD7 (chromodomain helicase DNA binding protein 7; plus strand). Cytogenetic location: 8q12.2.
Variant type: single nucleotide variant.
Coding change: c.892A>G on transcript NM_017780.4 (MANE Select); coding-DNA position 892, A replaced by G.
Protein change: p.Thr298Ala; replaces threonine 298 with alanine.
Molecular consequence: missense variant.
Genome position (GRCh38, 1-based): chr8:60,742,324, A>G. VCF-style: chr8-60742324-A-G. GRCh37 (hg19) VCF-style: chr8-61654883-A-G.
Other names: c.892A>G (NM_017780.2); c.892A>G, p.Thr298Ala (NM_001316690.1); short protein forms T298A.
Identifiers: ClinVar variation 363444 (VCV000363444.11), dbSNP rs886063033, ClinGen allele CA10625673.

ClinVar aggregate classification (germline): Uncertain significance. Review status: criteria provided, multiple submitters, no conflicts (2 of 4 stars). 4 submissions from 4 submitters: Uncertain significance (4). Last evaluated 2026-06-28.

Conditions:
CHARGE syndrome (CHARGE). Also called: CHARGE ASSOCIATION--COLOBOMA, HEART ANOMALY, CHOANAL ATRESIA, RETARDATION, GENITAL AND EAR ANOMALIES; Coloboma, heart anomaly, choanal atresia, retardation, genital and ear anomalies; CHARGE association; Hall-Hittner syndrome; Hittner Hirsch Kreh syndrome. Identifiers: Orphanet 138, MedGen C0265354, MONDO:0008965.
Hypogonadotropic hypogonadism 5 with or without anosmia (KAL5). Also called: HYPOGONADOTROPIC HYPOGONADISM 5 WITH ANOSMIA; HYPOGONADOTROPHIC HYPOGONADISM 5 WITHOUT ANOSMIA; CHD7-Related GnRH Deficiency (Kallmann Syndrome 5). Identifiers: Orphanet 478, MedGen C3552553, MONDO:0012880, OMIM 612370. Disease mechanism: loss of function.
CHD7-related disorder. Also called: CHD7-related condition.

gnomAD v4.1: 8 of 1,613,974 alleles (0.0005%); highest among the groups gnomAD compares: Middle Eastern, 0.016%; no homozygotes.

Submissions (4):

PreventionGenetics, part of Exact Sciences
Classification: Uncertain significance for CHD7-related condition. Last evaluated: 2026-06-28. Review status: criteria provided, single submitter. Criteria: ACMG Guidelines, 2015. Collection method: clinical testing. Allele origin: germline.
Comment: The CHD7 c.892A>G variant is predicted to result in the amino acid substitution p.Thr298Ala. This variant has been reported in a large cohort study of individuals with congenital heart disease in an individual with Tetralogy of Fallot (Extended Data Table 4, Sierant et al. 2025. PubMed ID: 40127276). To our knowledge, this variant has not been reported in a large population database (gnomAD), indicating this variant is rare. At this time, the clinical significance of this variant is uncertain due to the absence of conclusive functional and genetic evidence.

Fulgent Genetics
Classification: Uncertain significance for CHD7-related CHARGE syndrome; Hypogonadotropic hypogonadism 5 with or without anosmia. Last evaluated: 2024-05-31. Review status: criteria provided, single submitter. Criteria: ACMG Guidelines, 2015. Collection method: clinical testing. Allele origin: germline.

Labcorp Genetics (formerly Invitae), Labcorp
Classification: Uncertain significance for CHARGE syndrome. Last evaluated: 2023-07-31. Review status: criteria provided, single submitter. Criteria: Invitae Variant Classification Sherloc (09022015). Collection method: clinical testing. Allele origin: germline.
Comment: In summary, the available evidence is currently insufficient to determine the role of this variant in disease. Therefore, it has been classified as a Variant of Uncertain Significance. Advanced modeling of protein sequence and biophysical properties (such as structural, functional, and spatial information, amino acid conservation, physicochemical variation, residue mobility, and thermodynamic stability) performed at Invitae indicates that this missense variant is not expected to disrupt CHD7 protein function. ClinVar contains an entry for this variant (Variation ID: 363444). This variant has not been reported in the literature in individuals affected with CHD7-related conditions. This variant is not present in population databases (gnomAD no frequency). This sequence change replaces threonine, which is neutral and polar, with alanine, which is neutral and non-polar, at codon 298 of the CHD7 protein (p.Thr298Ala).

GeneDx
Classification: Uncertain significance. Last evaluated: 2023-01-17. Review status: criteria provided, single submitter. Criteria: GeneDx Variant Classification Process June 2021. Collection method: clinical testing. Allele origin: germline. Affected: yes.
Comment: Not observed at significant frequency in large population cohorts (gnomAD); In silico analysis supports that this missense variant does not alter protein structure/function; Has not been previously published as pathogenic or benign to our knowledge